The following is an entry in ClinVar:

ClinVar aggregate classification (germline): Likely benign (1 of 4 stars; one submission).

Submission:

CeGaT Center for Human Genetics Tuebingen
Classification: Likely benign. Last evaluated: 2026-06-01. Review status: criteria provided, single submitter. Criteria: CeGaT Center For Human Genetics Tuebingen Variant Classification Criteria Version 2. Collection method: clinical testing. Allele origin: germline. Affected: yes. Observed: 2 variant alleles.
Comment: MYO1H: PM4:Supporting, BS2

NM_001101421.4(MYO1H):c.3020AAG[1] (p.Glu1008del)

Gene: MYO1H (myosin IH; plus strand). Cytogenetic location: 12q24.11.
Variant type: Microsatellite.
Coding change: c.3020AAG[1] on transcript NM_001101421.4 (MANE Select); one copy of the 3-base unit AAG starting at c.3020; the reference has two copies in a row; one copy, 3 bases deleted.
Protein change: p.Glu1008del; deletes glutamic acid 1008.
Molecular consequence: inframe deletion.
Genome position (GRCh38, 1-based): chr12:109,445,542-109,445,544, AAG deleted; deleting any 3 consecutive bases within chr12:109,445,539-109,445,544 gives the same sequence; the position shown is the placement nearest the transcript's 3' end. VCF-style (leftmost placement, unchanged base first): chr12-109445538-AAAG-A. GRCh37 (hg19) VCF-style: chr12-109883343-AAAG-A.
Other names: short protein forms E1008del.
Identifiers: ClinVar variation 3234125 (VCV003234125.20), dbSNP rs372231088, ClinGen allele CA6776970.